The following is an entry in ClinVar:

ClinVar aggregate classification (germline): Uncertain significance. Review status: criteria provided, multiple submitters, no conflicts (2 of 4 stars). 4 submissions from 4 submitters: Uncertain significance (4). Last evaluated 2025-03-26.

Conditions:
Cardiovascular phenotype. Identifiers: MedGen CN230736.
Hereditary cancer-predisposing syndrome. Also called: Tumor predisposition; Neoplastic Syndromes, Hereditary; Hereditary Cancer Syndrome; Hereditary neoplastic syndrome. Identifiers: Orphanet 140162, MedGen C0027672, MeSH D009386, MONDO:0015356.
LZTR1-related schwannomatosis. Also called: Schwannomatosis-2, susceptibility to; Schwannomatosis 2. Identifiers: Orphanet 93921, MedGen C3810283, MONDO:0014299, OMIM 615670.

Allele frequency attached by ClinVar (database versions not stated): gnomAD exomes below 0.00001.
gnomAD v4.1: 1 of 1,552,172 alleles (0.000064%); highest among the groups gnomAD compares: Admixed American, 0.002%; no homozygotes.

Submissions (4):

Labcorp Genetics (formerly Invitae), Labcorp
Classification: Uncertain significance. Last evaluated: 2025-03-26. Review status: criteria provided, single submitter. Criteria: Invitae Variant Classification Sherloc (09022015). Collection method: clinical testing. Allele origin: germline.
Comment: This sequence change replaces glutamine, which is neutral and polar, with histidine, which is basic and polar, at codon 319 of the LZTR1 protein (p.Gln319His). This variant is not present in population databases (gnomAD no frequency). This variant has not been reported in the literature in individuals affected with LZTR1-related conditions. ClinVar contains an entry for this variant (Variation ID: 1307355). Invitae Evidence Modeling of protein sequence and biophysical properties (such as structural, functional, and spatial information, amino acid conservation, physicochemical variation, residue mobility, and thermodynamic stability) indicates that this missense variant is not expected to disrupt LZTR1 protein function with a negative predictive value of 80%. In summary, the available evidence is currently insufficient to determine the role of this variant in disease. Therefore, it has been classified as a Variant of Uncertain Significance.

Ambry Genetics
Classification: Uncertain significance for Cardiovascular phenotype; Hereditary cancer-predisposing syndrome. Last evaluated: 2024-09-22. Review status: criteria provided, single submitter. Criteria: Ambry Variant Classification Scheme 2023. Collection method: clinical testing. Allele origin: germline.
Comment: The p.Q319H variant (also known as c.957G>T), located in coding exon 9 of the LZTR1 gene, results from a G to T substitution at nucleotide position 957. The glutamine at codon 319 is replaced by histidine, an amino acid with highly similar properties. This amino acid position is conserved. In addition, the in silico prediction for this alteration is inconclusive. Based on the available evidence, the clinical significance of this variant remains unclear.

Baylor Genetics
Classification: Uncertain significance for LZTR1-related schwannomatosis. Last evaluated: 2023-05-10. Review status: criteria provided, single submitter. Criteria: ACMG Guidelines, 2015. Collection method: clinical testing. Allele origin: unknown.

GeneDx
Classification: Uncertain significance. Last evaluated: 2019-07-24. Review status: criteria provided, single submitter. Criteria: GeneDx Variant Classification Process June 2021. Collection method: clinical testing. Allele origin: germline. Affected: yes.
Comment: Not observed in large population cohorts (Lek et al., 2016); In silico analysis, which includes protein predictors and evolutionary conservation, supports a deleterious effect; Has not been previously published as pathogenic or benign to our knowledge

NM_006767.4(LZTR1):c.957G>T (p.Gln319His)

Gene: LZTR1 (leucine zipper like post translational regulator 1; plus strand). Cytogenetic location: 22q11.21.
Variant type: single nucleotide variant.
Coding change: c.957G>T on transcript NM_006767.4 (MANE Select); coding-DNA position 957, G replaced by T.
Protein change: p.Gln319His; replaces glutamine 319 with histidine.
Molecular consequence: missense variant.
Genome position (GRCh38, 1-based): chr22:20,991,793, G>T. VCF-style: chr22-20991793-G-T. GRCh37 (hg19) VCF-style: chr22-21346082-G-T.
Other names: short protein forms Q319H.
Identifiers: ClinVar variation 1307355 (VCV001307355.9), dbSNP rs1014327605, ClinGen allele CA322327434.